The following is an entry in ClinVar:

ClinVar aggregate classification (germline): Pathogenic. Review status: criteria provided, multiple submitters, no conflicts (2 of 4 stars). 3 submissions from 3 submitters: Pathogenic (3). Last evaluated 2021-10-02.

Conditions:
Coffin-Siris syndrome 1 (CSS1). Also called: Mental retardation, autosomal dominant 12; ARID1B-Related Coffin-Siris Syndrome. Identifiers: Orphanet 1465, MedGen C3281201, MONDO:0007617, OMIM 135900. Disease mechanism: gain of function.

Submissions (3):

3billion
Classification: Pathogenic for Coffin-Siris syndrome 1. Last evaluated: 2021-10-02. Review status: criteria provided, single submitter. Criteria: ACMG Guidelines, 2015. Collection method: clinical testing. Allele origin: germline. Affected: yes. Observed: 1 heterozygote.
Comment: Stop-gained (nonsense): predicted to result in a loss or disruption of normal protein function through nonsense-mediated decay (NMD) or protein truncation. Multiple pathogenic variants are reported downstream of the variant (PVS1_VS). The variant was observed as assumed (i.e. paternity and maternity not confirmed) de novoo (3billion dataset, PM6). It is not observed in the gnomAD v2.1.1 dataset (PM2). Therefore, this variant is classified as pathogenic according to the recommendation of ACMG/AMP guideline.

Genome-Nilou Lab
Classification: Pathogenic for Coffin-Siris syndrome 1. Last evaluated: 2021-07-15. Review status: criteria provided, single submitter. Criteria: ACMG Guidelines, 2015. Collection method: clinical testing. Allele origin: germline. Affected: no.

GeneDx
Classification: Pathogenic. Last evaluated: 2017-07-26. Review status: criteria provided, single submitter. Criteria: GeneDx Variant Classification (06012015). Collection method: clinical testing. Allele origin: germline. Affected: yes.
Comment: The Q788X variant in the ARID1B gene has not been reported previously as a pathogenic variant nor as a benign variant, to our knowledge. This variant is predicted to cause loss of normal protein function either through protein truncation or nonsense-mediated mRNA decay. The Q788X variant is not observed in large population cohorts (Lek et al., 2016; 1000 Genomes Consortium et al., 2015; Exome Variant Server). We interpret Q788X as a pathogenic variant.

NM_001374828.1(ARID1B):c.2572C>T (p.Gln858Ter)

Gene: ARID1B (AT-rich interaction domain 1B; plus strand). Cytogenetic location: 6q25.3.
Variant type: single nucleotide variant.
Coding change: c.2572C>T on transcript NM_001374828.1 (MANE Select); coding-DNA position 2572, C replaced by T.
Protein change: p.Gln858Ter; replaces glutamine 858 with a stop codon.
Molecular consequence: nonsense.
Genome position (GRCh38, 1-based): chr6:157,110,552, C>T. VCF-style: chr6-157110552-C-T. GRCh37 (hg19) VCF-style: chr6-157431686-C-T.
Other names: c.73C>T, p.Gln25Ter (NM_001363725.2); c.2611C>T, p.Gln871Ter (NM_001371656.1, NM_001374820.1); c.2572C>T, p.Gln858Ter (NM_017519.3); c.2362C>T, p.Gln788Ter (NM_020732.3); c.2323C>T (NM_001346813.1); short protein forms Q788*, Q25*, Q858*, Q871*.
Identifiers: ClinVar variation 450773 (VCV000450773.5), dbSNP rs1554298232, ClinGen allele CA366386733.